The following is an entry in ClinVar:

NM_000179.3(MSH6):c.1723G>T (p.Asp575Tyr)

Gene: MSH6 (mutS homolog 6; plus strand). Cytogenetic location: 2p16.3.
Variant type: single nucleotide variant.
Coding change: c.1723G>T on transcript NM_000179.3 (MANE Select); coding-DNA position 1723, G replaced by T.
Protein change: p.Asp575Tyr; replaces aspartic acid 575 with tyrosine.
Molecular consequence: missense variant.
Genome position (GRCh38, 1-based): chr2:47,799,706, G>T. VCF-style: chr2-47799706-G-T. GRCh37 (hg19) VCF-style: chr2-48026845-G-T.
Other names: c.1333G>T, p.Asp445Tyr (NM_001281492.2); c.817G>T, p.Asp273Tyr (NM_001281493.2, NM_001281494.2); short protein forms D575Y, D273Y, D445Y.
Identifiers: ClinVar variation 216300 (VCV000216300.18), dbSNP rs863224619, ClinGen allele CA338928.
Genomic context (GRCh38, chr2:47,799,706, plus strand): 5'-GCATATGGTGTGTGCTTTGTTGATACTTCACTGGGAAAGTTTTTCATAGGTCAGTTTTCA[G>T]ATGATCGCCATTGTTCGAGATTTAGGACTCTAGTGGCACACTATCCCCCAGTACAAGTTT-3'
Protein context (NP_000170.1, residues 565-585): LGKFFIGQFS[Asp575Tyr]DRHCSRFRTL

ClinVar aggregate classification (germline): Conflicting classifications of pathogenicity. Review status: criteria provided, conflicting classifications (1 of 4 stars). 2 submissions from 2 submitters: Likely pathogenic (1); Uncertain significance (1). Last evaluated 2024-10-01.

Conditions:
Hereditary nonpolyposis colorectal neoplasms. Identifiers: MedGen C0009405, MeSH D003123.
Hereditary cancer-predisposing syndrome. Also called: Hereditary Cancer Syndrome; Hereditary neoplastic syndrome; Neoplastic Syndromes, Hereditary; Tumor predisposition. Identifiers: Orphanet 140162, MedGen C0027672, MeSH D009386, MONDO:0015356.

Submissions (2):

Ambry Genetics
Classification: Likely pathogenic for Hereditary cancer-predisposing syndrome. Last evaluated: 2024-10-01. Review status: criteria provided, single submitter. Criteria: Ambry Variant Classification Scheme 2023. Collection method: clinical testing. Allele origin: germline.
Comment: The p.D575Y variant (also known as c.1723G>T), located in coding exon 4 of the MSH6 gene, results from a G to T substitution at nucleotide position 1723. The aspartic acid at codon 575 is replaced by tyrosine, an amino acid with highly dissimilar properties. This variant has been identified in at least one proband who met Amsterdam II criteria for Lynch syndrome and has been detected in probands whose tumors demonstrated high microsatellite instability and/or loss of MSH6 expression by immunohistochemistry (Ambry internal data). This variant is considered to be rare based on population cohorts in the Genome Aggregation Database (gnomAD). This amino acid position is highly conserved in available vertebrate species. In addition, this alteration is predicted to be deleterious by in silico analysis. Based on the majority of available evidence to date, this variant is likely to be pathogenic.

Labcorp Genetics (formerly Invitae), Labcorp
Classification: Uncertain significance for Hereditary nonpolyposis colorectal neoplasms. Last evaluated: 2022-02-24. Review status: criteria provided, single submitter. Criteria: Invitae Variant Classification Sherloc (09022015). Collection method: clinical testing. Allele origin: germline.
Comment: ClinVar contains an entry for this variant (Variation ID: 216300). This variant has not been reported in the literature in individuals affected with MSH6-related conditions. This variant is not present in population databases (gnomAD no frequency). This sequence change replaces aspartic acid, which is acidic and polar, with tyrosine, which is neutral and polar, at codon 575 of the MSH6 protein (p.Asp575Tyr). In summary, the available evidence is currently insufficient to determine the role of this variant in disease. Therefore, it has been classified as a Variant of Uncertain Significance. Advanced modeling of protein sequence and biophysical properties (such as structural, functional, and spatial information, amino acid conservation, physicochemical variation, residue mobility, and thermodynamic stability) performed at Invitae indicates that this missense variant is expected to disrupt MSH6 protein function.